The following is an entry in ClinVar:

NM_014806.5(RUSC2):c.2290A>G (p.Lys764Glu)

Gene: RUSC2 (RUN and SH3 domain containing 2; plus strand). Cytogenetic location: 9p13.3.
Variant type: single nucleotide variant.
Coding change: c.2290A>G on transcript NM_014806.5 (MANE Select); coding-DNA position 2290, A replaced by G.
Protein change: p.Lys764Glu; replaces lysine 764 with glutamic acid.
Molecular consequence: missense variant. On other transcripts: 5 prime UTR variant (1), non-coding transcript variant (1).
Genome position (GRCh38, 1-based): chr9:35,555,335, A>G. VCF-style: chr9-35555335-A-G. GRCh37 (hg19) VCF-style: chr9-35555332-A-G.
Other names: c.2290A>G, p.Lys764Glu (NM_001135999.2); c.-345A>G (NM_001330740.2); short protein forms K764E.
Identifiers: ClinVar variation 1414900 (VCV001414900.4), dbSNP rs573689022, ClinGen allele CA192751291.
Genomic context (GRCh38, chr9:35,555,335, plus strand): 5'-CCAGCTCCCTCAGGGGAACCGCAGGCATCCACTCCCCGAGCCACTGGCAGAGGTGCCAGG[A>G]AAGCTGGGTCTGAGCCAGAGACCTCTCGGCCATCGCCCCTGGGCAGCTACTCCCCCATCC-3'
Protein context (NP_055621.2, residues 754-774): TPRATGRGAR[Lys764Glu]AGSEPETSRP

ClinVar aggregate classification (germline): Uncertain significance (1 of 4 stars; one submission).

Allele frequency attached by ClinVar (database versions not stated): gnomAD exomes below 0.00001; gnomAD 0.00001; 1000 Genomes Project 30x 0.00016; 1000 Genomes Project 0.00020.
gnomAD v4.1: 2 of 1,614,244 alleles (0.00012%); highest among the groups gnomAD compares: Admixed American, 0.0033%; no homozygotes.

Submission:

Labcorp Genetics (formerly Invitae), Labcorp
Classification: Uncertain significance. Last evaluated: 2022-07-19. Review status: criteria provided, single submitter. Criteria: Invitae Variant Classification Sherloc (09022015). Collection method: clinical testing. Allele origin: germline.
Comment: This sequence change replaces lysine, which is basic and polar, with glutamic acid, which is acidic and polar, at codon 764 of the RUSC2 protein (p.Lys764Glu). This variant is not present in population databases (gnomAD no frequency). This variant has not been reported in the literature in individuals affected with RUSC2-related conditions. ClinVar contains an entry for this variant (Variation ID: 1414900). Algorithms developed to predict the effect of missense changes on protein structure and function (SIFT, PolyPhen-2, Align-GVGD) all suggest that this variant is likely to be tolerated. In summary, the available evidence is currently insufficient to determine the role of this variant in disease. Therefore, it has been classified as a Variant of Uncertain Significance.